The following is an entry in ClinVar:

NM_024570.4(RNASEH2B):c.742-9A>G

Gene: RNASEH2B (ribonuclease H2 subunit B; plus strand). Cytogenetic location: 13q14.3.
Variant type: single nucleotide variant.
Coding change: c.742-9A>G on transcript NM_024570.4 (MANE Select); 9 bases into the intron before coding-DNA position 742, A replaced by G.
Molecular consequence: intron variant.
Genome position (GRCh38, 1-based): chr13:50,953,896, A>G. VCF-style: chr13-50953896-A-G. GRCh37 (hg19) VCF-style: chr13-51528032-A-G.
Other names: c.741+4391A>G (NM_001142279.2).
Identifiers: ClinVar variation 1015880 (VCV001015880.6), dbSNP rs1952008392, ClinGen allele CA2091116745.
Genomic context (GRCh38, chr13:50,953,896, plus strand): 5'-TTTTTTTTTAATGGATTGATGTTGTGTCAAAGTGACATTTGACACCACTTCACTGCTCTA[A>G]TGTTGCAGAAAATAAAGTTATCAGATGAGCCTGTAGAAGCAAAAGAAGATTACACTAAGT-3'

ClinVar aggregate classification (germline): Uncertain significance (1 of 4 stars; one submission).

Conditions:
Aicardi-Goutieres syndrome 2. Identifiers: Orphanet 51, MedGen C3489724, MONDO:0012429, OMIM 610181.

Allele frequency attached by ClinVar (database versions not stated): gnomAD exomes 0.00001.
gnomAD v4.1: 7 of 1,572,536 alleles (0.00045%); highest among the groups gnomAD compares: Non-Finnish European, 0.00061%; no homozygotes.

Submission:

Labcorp Genetics (formerly Invitae), Labcorp
Classification: Uncertain significance for Aicardi-Goutieres syndrome 2. Last evaluated: 2021-08-31. Review status: criteria provided, single submitter. Criteria: Invitae Variant Classification Sherloc (09022015). Collection method: clinical testing. Allele origin: germline.
Comment: This sequence change falls in intron 9 of the RNASEH2B gene. It does not directly change the encoded amino acid sequence of the RNASEH2B protein. This variant is not present in population databases (ExAC no frequency). This variant has not been reported in the literature in individuals affected with RNASEH2B-related conditions. Algorithms developed to predict the effect of sequence changes on RNA splicing suggest that this variant may disrupt the consensus splice site. In summary, the available evidence is currently insufficient to determine the role of this variant in disease. Therefore, it has been classified as a Variant of Uncertain Significance.